The following is an entry in ClinVar:

NM_003793.4(CTSF):c.1408G>A (p.Gly470Arg)

Gene: CTSF (cathepsin F; minus strand). Cytogenetic location: 11q13.2.
Variant type: single nucleotide variant.
Coding change: c.1408G>A on transcript NM_003793.4 (MANE Select); coding-DNA position 1408, G replaced by A.
Protein change: p.Gly470Arg; replaces glycine 470 with arginine.
Molecular consequence: missense variant.
Genome position (GRCh38, 1-based): chr11:66,563,980, C>T on the plus strand (G>A on the coding strand, the complement: CTSF is on the minus strand). VCF-style: chr11-66563980-C-T. GRCh37 (hg19) VCF-style: chr11-66331451-C-T.
Other names: short protein forms G470R.
Identifiers: ClinVar variation 1300491 (VCV001300491.4), dbSNP rs201552564, ClinGen allele CA6125198.

ClinVar aggregate classification (germline): Uncertain significance. Review status: criteria provided, multiple submitters, no conflicts (2 of 4 stars). 3 submissions from 3 submitters: Uncertain significance (3). Last evaluated 2025-02-01.

Conditions:
Inborn genetic diseases. Identifiers: MedGen C0950123, MeSH D030342.

Allele frequency attached by ClinVar (database versions not stated): gnomAD 0.00002; gnomAD exomes 0.00002 and 0.00004; ExAC 0.00004; TOPMed 0.00005; ESP Exome Variant Server 0.00015.
gnomAD v4.1: 35 of 1,613,804 alleles (0.0022%); highest among the groups gnomAD compares: African/African-American, 0.004%; no homozygotes.

Submissions (3):

Ambry Genetics
Classification: Uncertain significance for Inborn genetic diseases. Last evaluated: 2025-02-01. Review status: criteria provided, single submitter. Criteria: Ambry Variant Classification Scheme 2023. Collection method: clinical testing. Allele origin: germline.

GeneDx
Classification: Uncertain significance. Last evaluated: 2021-09-09. Review status: criteria provided, single submitter. Criteria: GeneDx Variant Classification Process June 2021. Collection method: clinical testing. Allele origin: germline. Affected: yes.
Comment: Not observed at significant frequency in large population cohorts (Lek et al., 2016); In silico analysis supports that this missense variant has a deleterious effect on protein structure/function; Has not been previously published as pathogenic or benign to our knowledge

Blueprint Genetics
Classification: Uncertain significance. Last evaluated: 2018-03-12. Review status: criteria provided, single submitter. Criteria: ACMG Guidelines, 2015. Collection method: clinical testing. Allele origin: germline.